The following is an entry in ClinVar:

ClinVar aggregate classification (germline): Conflicting classifications of pathogenicity. Review status: criteria provided, conflicting classifications (1 of 4 stars). 2 submissions from 2 submitters: Likely pathogenic (1); Uncertain significance (1). Last evaluated 2024-09-02.

Conditions:
Ataxia-telangiectasia syndrome (AT). Also called: Cerebello-oculocutaneous telangiectasia; Immunodeficiency with ataxia telangiectasia; AT, COMPLEMENTATION GROUP C; Ataxia-telangiectasia, complementation group E; LOUIS-BAR SYNDROME; ATAXIA-TELANGIECTASIA, COMPLEMENTATION GROUP A. Identifiers: Orphanet 100, MedGen C0004135, MONDO:0008840, OMIM 208900.
Hereditary cancer-predisposing syndrome. Also called: Hereditary neoplastic syndrome; Hereditary Cancer Syndrome; Neoplastic Syndromes, Hereditary; Tumor predisposition. Identifiers: Orphanet 140162, MedGen C0027672, MeSH D009386, MONDO:0015356.

Submissions (2):

Labcorp Genetics (formerly Invitae), Labcorp
Classification: Uncertain significance for Ataxia-telangiectasia syndrome. Last evaluated: 2024-09-02. Review status: criteria provided, single submitter. Criteria: Invitae Variant Classification Sherloc (09022015). Collection method: clinical testing. Allele origin: germline.
Comment: This sequence change affects codon 1479 of the ATM mRNA. It is a 'silent' change, meaning that it does not change the encoded amino acid sequence of the ATM protein. This variant also falls at the last nucleotide of exon 29, which is part of the consensus splice site for this exon. This variant is not present in population databases (gnomAD no frequency). This variant has not been reported in the literature in individuals affected with ATM-related conditions. ClinVar contains an entry for this variant (Variation ID: 1369942). An algorithm developed to predict the effect of missense changes on protein structure and function (PolyPhen-2) suggests that this variant is likely to be tolerated. Variants that disrupt the consensus splice site are a relatively common cause of aberrant splicing (PMID: 17576681, 9536098). Algorithms developed to predict the effect of sequence changes on RNA splicing suggest that this variant may disrupt the consensus splice site. In summary, the available evidence is currently insufficient to determine the role of this variant in disease. Therefore, it has been classified as a Variant of Uncertain Significance.

Ambry Genetics
Classification: Likely pathogenic for Hereditary cancer-predisposing syndrome. Last evaluated: 2020-03-19. Review status: criteria provided, single submitter. Criteria: Ambry Variant Classification Scheme 2023. Collection method: clinical testing. Allele origin: germline.
Comment: The c.4436G>A variant (also known as p.R1479K), located in coding exon 28 of the ATM gene, results from a G to A substitution at nucleotide position 4436. The amino acid change results in arginine to lysine at codon 1479, an amino acid with highly similar properties. However, this change occurs in the last base pair of coding exon 28, which makes it likely to have some effect on normal mRNA splicing. This nucleotide position is highly conserved in available vertebrate species. Using two different splice site prediction tools, this alteration is predicted by ESEfinder to weaken the efficiency of the native splice donor site, but is not predicted to have a deleterious effect on this splice donor site by BDGP. RNA studies have demonstrated that this alteration results in abnormal splicing in the set of samples tested (Ambry internal data). Based on the majority of available evidence to date, this variant is likely to be pathogenic.

Literature cited by the submitters: PubMed 17576681 (cited by Labcorp Genetics (formerly Invitae), Labcorp); PubMed 9536098 (cited by Labcorp Genetics (formerly Invitae), Labcorp).

NM_000051.4(ATM):c.4436G>A (p.Arg1479Lys)

Gene: ATM (ATM serine/threonine kinase; plus strand). Cytogenetic location: 11q22.3.
Variant type: single nucleotide variant.
Coding change: c.4436G>A on transcript NM_000051.4 (MANE Select); coding-DNA position 4436, G replaced by A.
Protein change: p.Arg1479Lys; replaces arginine 1479 with lysine.
Molecular consequence: missense variant.
Genome position (GRCh38, 1-based): chr11:108,289,801, G>A. VCF-style: chr11-108289801-G-A. GRCh37 (hg19) VCF-style: chr11-108160528-G-A.
Other names: c.4436G>A, p.Arg1479Lys (NM_001351834.2); short protein forms R1479K.
Identifiers: ClinVar variation 1369942 (VCV001369942.8), dbSNP rs2135767002, ClinGen allele CA382532297.